The following is an entry in ClinVar:

NM_007294.4(BRCA1):c.5421T>G (p.Ile1807Met)

Gene: BRCA1 (BRCA1 DNA repair associated; minus strand). Cytogenetic location: 17q21.31.
Variant type: single nucleotide variant.
Coding change: c.5421T>G on transcript NM_007294.4 (MANE Select); coding-DNA position 5421, T replaced by G.
Protein change: p.Ile1807Met; replaces isoleucine 1807 with methionine.
Molecular consequence: missense variant. On other transcripts: non-coding transcript variant (1).
Genome position (GRCh38, 1-based): chr17:43,047,689, A>C on the plus strand (T>G on the coding strand, the complement: BRCA1 is on the minus strand). VCF-style: chr17-43047689-A-C. GRCh37 (hg19) VCF-style: chr17-41199706-A-C.
Other names: c.5208T>G, p.Ile1736Met (NM_001407571.1, NM_001407894.1, NM_001407895.1 and 12 more transcripts); c.5487T>G, p.Ile1829Met (NM_001407581.1, NM_001407582.1); c.5484T>G, p.Ile1828Met (NM_001407583.1, NM_001407585.1, NM_001407587.1 and 1 more transcripts); c.5481T>G, p.Ile1827Met (NM_001407590.1, NM_001407591.1); c.5421T>G, p.Ile1807Met (NM_001407593.1, NM_001407594.1, NM_001407596.1 and 5 more transcripts); c.5418T>G, p.Ile1806Met (NM_001407616.1, NM_001407617.1, NM_001407618.1 and 14 more transcripts); c.5415T>G, p.Ile1805Met (NM_001407635.1, NM_001407636.1, NM_001407637.1 and 13 more transcripts); c.5412T>G, p.Ile1804Met (NM_001407644.1, NM_001407645.1); and 83 more; short protein forms I1807M, I1828M, I1760M, C679G, I703M, C1741G, C1742G, C1783G.
Identifiers: ClinVar variation 865481 (VCV000865481.3), dbSNP rs2050990955, ClinGen allele CA10590605.

Conditions:
Breast-ovarian cancer, familial, susceptibility to, 1 (BROVCA1). Also called: BRCA1 Hereditary Breast and Ovarian Cancer; OVARIAN CANCER, SUSCEPTIBILITY TO. Identifiers: Orphanet 145, MedGen C2676676, MONDO:0011450, OMIM 604370. Disease mechanism: loss of function.

Submission:

Brotman Baty Institute, University of Washington
No classification provided (evidence only). Condition: Breast-ovarian cancer, familial 1. Review status: no classification provided. Collection method: in vitro. Allele origin: not applicable. Functional consequence: functionally_normal.
ClinVar note: "not provided" was previously submitted as the classification for the variant. However, the classification appeared to be based only on an observation of functional data so it was converted to no classification on 2025-07-30.